The following is an entry in ClinVar:

ClinVar aggregate classification (germline): Uncertain significance. Review status: criteria provided, multiple submitters, no conflicts (2 of 4 stars). 6 submissions from 6 submitters: Uncertain significance (6). Last evaluated 2024-11-07.

Conditions:
RECQL-related disorder. Also called: RECQL-related condition.
RECON progeroid syndrome (RECON). Identifiers: MedGen C5830504, MONDO:0957266, OMIM 620370.
Familial ovarian cancer. Identifiers: MedGen C5679802, MONDO:0016248.

Allele frequency attached by ClinVar (database versions not stated): TOPMed 0.00002; gnomAD 0.00004.

Submissions (7):

GeneDx
Classification: Uncertain significance. Last evaluated: 2024-11-07. Review status: criteria provided, single submitter. Criteria: GeneDx Variant Classification Process June 2021. Collection method: clinical testing. Allele origin: germline. Affected: yes.
Comment: Has not been previously published as pathogenic or benign to our knowledge; In silico analysis is inconclusive as to whether the variant alters gene splicing. In the absence of RNA/functional studies, the actual effect of this sequence change is unknown.; Variants in candidate genes are classified as variants of uncertain significance in accordance with ACMG guidelines (PMID: 25741868)

Labcorp Genetics (formerly Invitae), Labcorp
Classification: Uncertain significance. Last evaluated: 2024-08-07. Review status: criteria provided, single submitter. Criteria: Invitae Variant Classification Sherloc (09022015). Collection method: clinical testing. Allele origin: germline.
Comment: This sequence change falls in intron 7 of the RECQL gene. It does not directly change the encoded amino acid sequence of the RECQL protein. It affects a nucleotide within the consensus splice site. This variant is present in population databases (rs762454777, gnomAD 0.005%). This variant has not been reported in the literature in individuals affected with RECQL-related conditions. ClinVar contains an entry for this variant (Variation ID: 1062979). Variants that disrupt the consensus splice site are a relatively common cause of aberrant splicing (PMID: 17576681, 9536098). Algorithms developed to predict the effect of sequence changes on RNA splicing suggest that this variant may disrupt the consensus splice site. In summary, the available evidence is currently insufficient to determine the role of this variant in disease. Therefore, it has been classified as a Variant of Uncertain Significance.

Fulgent Genetics
Classification: Uncertain significance for RECON progeroid syndrome. Last evaluated: 2024-04-24. Review status: criteria provided, single submitter. Criteria: ACMG Guidelines, 2015. Collection method: clinical testing. Allele origin: germline.

Quest Diagnostics Nichols Institute San Juan Capistrano
Classification: Uncertain significance. Last evaluated: 2023-01-21. Review status: criteria provided, single submitter. Criteria: Quest Diagnostics criteria. Collection method: clinical testing. Allele origin: unknown.
Comment: The variant has not been reported in individuals with RECQL-related conditions in the published literature. The frequency of this variant in the general population, 0.000048 (6/125576 chromosomes), is uninformative in assessment of its pathogenicity. Analysis of this variant using software algorithms for the prediction of the effect of nucleotide changes on splicing yielded predictions that this variant may affect proper RECQL mRNA splicing . Based on the available information, we are unable to determine the clinical significance of this variant.

PreventionGenetics, part of Exact Sciences
Classification: Uncertain significance for RECQL-related condition. Last evaluated: 2022-12-27. Review status: criteria provided, single submitter. Criteria: ACMG Guidelines, 2015. Collection method: clinical testing. Allele origin: germline.
Comment: The RECQL c.867+3A>T variant is predicted to interfere with splicing. This variant is predicted to alter splicing based on available splicing prediction programs (Alamut Visual plus v1.6.1). However, such computer prediction programs are imperfect. To our knowledge, this variant has not been reported in the literature. This variant is reported in 0.0048% of alleles in individuals of European (Non-Finnish) descent in gnomAD. At this time, the clinical significance of this variant is uncertain due to the absence of conclusive functional and genetic evidence.

Department of Pathology and Laboratory Medicine, Sinai Health System
Classification: Uncertain significance for familial ovarian cancer. Last evaluated: 2021-07-30. Review status: criteria provided, single submitter. Criteria: ACMG Guidelines, 2015. Collection method: research. Allele origin: germline.

Dr. Peter K. Rogan Lab, Western University
No classification provided (evidence only). Condition: Clear cell carcinoma of kidney. Review status: no classification provided. Collection method: in vitro. Allele origin: not applicable. Functional consequence: skipped exon, retained intron. Not counted in ClinVar's aggregate classification.

Literature cited by the submitters: PubMed 17576681 (cited by Labcorp Genetics (formerly Invitae), Labcorp); PubMed 9536098 (cited by Labcorp Genetics (formerly Invitae), Labcorp).

NM_002907.4(RECQL):c.867+3A>T

Gene: RECQL (RecQ like helicase; minus strand). Cytogenetic location: 12p12.1.
Variant type: single nucleotide variant.
Coding change: c.867+3A>T on transcript NM_002907.4 (MANE Select); 3 bases into the intron after coding-DNA position 867, A replaced by T.
Molecular consequence: intron variant.
Genome position (GRCh38, 1-based): chr12:21,477,800, T>A on the plus strand (A>T on the coding strand, the complement: RECQL is on the minus strand). VCF-style: chr12-21477800-T-A. GRCh37 (hg19) VCF-style: chr12-21630734-T-A.
Other names: c.867+3A>T (NM_032941.3, NM_002907.3).
Identifiers: ClinVar variation 1062979 (VCV001062979.18), dbSNP rs762454777, ClinGen allele CA6478954.